The following is an entry in ClinVar:

NM_025074.7(FRAS1):c.4143T>C (p.Leu1381=)

Gene: FRAS1 (Fraser extracellular matrix complex subunit 1; plus strand). Cytogenetic location: 4q21.21.
Variant type: single nucleotide variant.
Coding change: c.4143T>C on transcript NM_025074.7 (MANE Select); coding-DNA position 4143, T replaced by C.
Protein change: p.Leu1381=; no amino-acid change (leucine 1381 retained).
Molecular consequence: synonymous variant.
Genome position (GRCh38, 1-based): chr4:78,407,676, T>C. VCF-style: chr4-78407676-T-C. GRCh37 (hg19) VCF-style: chr4-79328830-T-C.
Other names: p.Leu1381=; c.4143T>C, p.Leu1381= (NM_001166133.2).
Identifiers: ClinVar variation 702076 (VCV000702076.14), dbSNP rs113301188, ClinGen allele CA2977116.

ClinVar aggregate classification (germline): Benign/Likely benign. Review status: criteria provided, multiple submitters, no conflicts (2 of 4 stars). 3 submissions from 3 submitters: Benign (2); Likely benign (1). Last evaluated 2026-01-28.

Conditions:
Fraser syndrome 1 (FRASRS1). Also called: CRYPTOPHTHALMOS WITH OTHER MALFORMATIONS. Identifiers: Orphanet 2052, MedGen C4551480, MONDO:0054737, OMIM 219000.

Allele frequency attached by ClinVar (database versions not stated): gnomAD exomes 0.00056 and 0.00149; ExAC 0.00171; 1000 Genomes Project 30x 0.00593; 1000 Genomes Project 0.00599; gnomAD 0.00634 and 0.00658; ESP Exome Variant Server 0.00644; TOPMed 0.00715.
gnomAD v4.1: 1,844 of 1,611,986 alleles (0.11%); highest among the groups gnomAD compares: African/African-American, 2.1%; 18 homozygotes.

Submissions (3):

Labcorp Genetics (formerly Invitae), Labcorp
Classification: Benign. Last evaluated: 2026-01-28. Review status: criteria provided, single submitter. Criteria: Invitae Variant Classification Sherloc (09022015). Collection method: clinical testing. Allele origin: germline.

Mayo Clinic Laboratories, Mayo Clinic
Classification: Likely benign. Last evaluated: 2025-07-24. Review status: criteria provided, single submitter. Criteria: ACMG Guidelines, 2015. Collection method: clinical testing. Allele origin: germline. Observed: 1 variant allele.
Comment: BS1, BP4, BP7

Illumina Laboratory Services, Illumina
Classification: Benign for Fraser syndrome 1. Last evaluated: 2018-01-13. Review status: criteria provided, single submitter. Criteria: ICSL Variant Classification Criteria 13 December 2019. Collection method: clinical testing. Allele origin: germline.
Comment: This variant was observed in the ICSL laboratory as part of a predisposition screen in an ostensibly healthy population. It had not been previously curated by ICSL or reported in the Human Gene Mutation Database (HGMD: prior to June 1st, 2018), and was therefore a candidate for classification through an automated scoring system. Utilizing variant allele frequency, disease prevalence and penetrance estimates, and inheritance mode, an automated score was calculated to assess if this variant is too frequent to cause the disease. Based on the score and internal cut-off values, a variant classified as benign is not then subjected to further curation. The score for this variant resulted in a classification of benign for this disease.